The following is an entry in ClinVar:

NM_020778.5(ALPK3):c.2858A>T (p.Asp953Val)

Gene: ALPK3 (alpha kinase 3; plus strand). Cytogenetic location: 15q25.3.
Variant type: single nucleotide variant.
Coding change: c.2858A>T on transcript NM_020778.5 (MANE Select); coding-DNA position 2858, A replaced by T.
Protein change: p.Asp953Val; replaces aspartic acid 953 with valine.
Molecular consequence: missense variant.
Genome position (GRCh38, 1-based): chr15:84,857,596, A>T. VCF-style: chr15-84857596-A-T. GRCh37 (hg19) VCF-style: chr15-85400827-A-T.
Other names: short protein forms D953V.
Identifiers: ClinVar variation 1501342 (VCV001501342.10), dbSNP rs1393907055, ClinGen allele CA393358612.
Genomic context (GRCh38, chr15:84,857,596, plus strand): 5'-AGGGGGCCTGCGCCCAGGTACCAGATGTGGAGGGGCGGACCCCAGGTCCCCGGAGCTGTG[A>T]CCCTGGCCTCATAGATTCCCTGAAGAACTACCTGCTTCTGCTGCTGAAGCTGTCCAGCAC-3'
Protein context (NP_065829.4, residues 943-963): EGRTPGPRSC[Asp953Val]PGLIDSLKNY

ClinVar aggregate classification (germline): Uncertain significance. Review status: criteria provided, multiple submitters, no conflicts (2 of 4 stars). 2 submissions from 2 submitters: Uncertain significance (2). Last evaluated 2025-09-04.

Conditions:
Cardiovascular phenotype. Identifiers: MedGen CN230736.

Allele frequency attached by ClinVar (database versions not stated): gnomAD exomes below 0.00001 and 0.00001; gnomAD 0.00001; TOPMed 0.00001.
gnomAD v4.1: 4 of 1,574,800 alleles (0.00025%); highest among the groups gnomAD compares: East Asian, 0.0045%; no homozygotes.

Submissions (2):

Labcorp Genetics (formerly Invitae), Labcorp
Classification: Uncertain significance. Last evaluated: 2025-09-04. Review status: criteria provided, single submitter. Criteria: Invitae Variant Classification Sherloc (09022015). Collection method: clinical testing. Allele origin: germline.
Comment: This sequence change replaces aspartic acid, which is acidic and polar, with valine, which is neutral and non-polar, at codon 1155 of the ALPK3 protein (p.Asp1155Val). This variant is present in population databases (no rsID available, gnomAD 0.007%). This variant has not been reported in the literature in individuals affected with ALPK3-related conditions. ClinVar contains an entry for this variant (Variation ID: 1501342). Invitae Evidence Modeling of protein sequence and biophysical properties (such as structural, functional, and spatial information, amino acid conservation, physicochemical variation, residue mobility, and thermodynamic stability) indicates that this missense variant is expected to disrupt ALPK3 protein function with a positive predictive value of 80%. In summary, the available evidence is currently insufficient to determine the role of this variant in disease. Therefore, it has been classified as a Variant of Uncertain Significance.

Ambry Genetics
Classification: Uncertain significance for Cardiovascular phenotype. Last evaluated: 2022-04-03. Review status: criteria provided, single submitter. Criteria: Ambry Variant Classification Scheme 2023. Collection method: clinical testing. Allele origin: germline.
Comment: The p.D1155V variant (also known as c.3464A>T), located in coding exon 6 of the ALPK3 gene, results from an A to T substitution at nucleotide position 3464. The aspartic acid at codon 1155 is replaced by valine, an amino acid with highly dissimilar properties. This amino acid position is conserved. In addition, the in silico prediction for this alteration is inconclusive. Since supporting evidence is limited at this time, the clinical significance of this alteration remains unclear.